The following is an entry in ClinVar:

ClinVar aggregate classification (germline): Uncertain significance (1 of 4 stars; one submission).

Submission:

CeGaT Center for Human Genetics Tuebingen
Classification: Uncertain significance. Last evaluated: 2026-03-01. Review status: criteria provided, single submitter. Criteria: CeGaT Center For Human Genetics Tuebingen Variant Classification Criteria Version 2. Collection method: clinical testing. Allele origin: germline. Affected: yes. Observed: 1 variant allele.
Comment: KDM6A: PM2, BP4

NM_001291415.2(KDM6A):c.1346A>T (p.His449Leu)

Gene: KDM6A (lysine demethylase 6A; plus strand). Cytogenetic location: Xp11.3.
Variant type: single nucleotide variant.
Coding change: c.1346A>T on transcript NM_001291415.2 (MANE Select); coding-DNA position 1346, A replaced by T.
Protein change: p.His449Leu; replaces histidine 449 with leucine.
Molecular consequence: missense variant. On other transcripts: non-coding transcript variant (1), intron variant (8).
Genome position (GRCh38, 1-based): chrX:45,060,625, A>T. VCF-style: chrX-45060625-A-T. GRCh37 (hg19) VCF-style: chrX-44919870-A-T.
Other names: c.1211A>T, p.His404Leu (NM_001291416.2, NM_001419811.1); c.1346A>T, p.His449Leu (NM_001419809.1, NM_001419810.1, NM_001419813.1); c.1329+469A>T (NM_001419812.1, NM_021140.4, NM_001419814.1 and 1 more transcripts); c.1195-699A>T (NM_001291417.2, NM_001419815.1, NM_001291418.2); c.442-699A>T (NM_001291421.2); short protein forms H404L, H449L.
Identifiers: ClinVar variation 4823721 (VCV004823721.4).